The following is an entry in ClinVar:

ClinVar aggregate classification (germline): Uncertain significance (1 of 4 stars; one submission).

Conditions:
Desmin-related myofibrillar myopathy (MFM1). Also called: Desminopathy; Desmin related myopathy (former name); Desmin storage myopathy (former name); MYOFIBRILLAR MYOPATHY WITH ARRHYTHMOGENIC RIGHT VENTRICULAR CARDIOMYOPATHY; DESMIN-RELATED MYOPATHY WITH ARRHYTHMOGENIC RIGHT VENTRICULAR CARDIOMYOPATHY; Myofibrillar myopathy 1. Identifiers: Orphanet 363543, Orphanet 98909, MedGen C1832370, MONDO:0011076, OMIM 601419.

Submission:

Labcorp Genetics (formerly Invitae), Labcorp
Classification: Uncertain significance for Desmin-related myofibrillar myopathy. Last evaluated: 2023-11-12. Review status: criteria provided, single submitter. Criteria: Invitae Variant Classification Sherloc (09022015). Collection method: clinical testing. Allele origin: germline.
Comment: This sequence change replaces methionine, which is neutral and non-polar, with valine, which is neutral and non-polar, at codon 349 of the DES protein (p.Met349Val). This variant is not present in population databases (gnomAD no frequency). This variant has not been reported in the literature in individuals affected with DES-related conditions. Advanced modeling of protein sequence and biophysical properties (such as structural, functional, and spatial information, amino acid conservation, physicochemical variation, residue mobility, and thermodynamic stability) has been performed at Invitae for this missense variant, however the output from this modeling did not meet the statistical confidence thresholds required to predict the impact of this variant on DES protein function. In summary, the available evidence is currently insufficient to determine the role of this variant in disease. Therefore, it has been classified as a Variant of Uncertain Significance.

NM_001927.4(DES):c.1045A>G (p.Met349Val)

Gene: DES (desmin; plus strand). Cytogenetic location: 2q35.
Variant type: single nucleotide variant.
Coding change: c.1045A>G on transcript NM_001927.4 (MANE Select); coding-DNA position 1045, A replaced by G.
Protein change: p.Met349Val; replaces methionine 349 with valine.
Molecular consequence: missense variant. On other transcripts: intron variant (2).
Genome position (GRCh38, 1-based): chr2:219,421,361, A>G. VCF-style: chr2-219421361-A-G. GRCh37 (hg19) VCF-style: chr2-220286083-A-G.
Other names: c.1042A>G, p.Met348Val (NM_001382708.1); c.1024A>G, p.Met342Val (NM_001382711.1); c.1045A>G, p.Met349Val (NM_001382712.1); c.775A>G, p.Met259Val (NM_001382713.1); c.1024-48A>G (NM_001382710.1); c.736-123A>G (NM_001382709.1); short protein forms M348V, M259V, M349V, M342V.
Identifiers: ClinVar variation 2953801 (VCV002953801.3), dbSNP rs2545254755, ClinGen allele CA350693809.